The following is an entry in ClinVar:

NM_000545.8(HNF1A):c.142dup (p.Glu48fs)

Gene: HNF1A (HNF1 homeobox A; plus strand). Cytogenetic location: 12q24.31.
Variant type: Duplication.
Coding change: c.142dup on transcript NM_000545.8 (MANE Select); coding-DNA position 142, one base duplicated (G; older notation c.142dupG).
Protein change: p.Glu48fs; shifts the reading frame from glutamic acid 48.
Molecular consequence: frameshift variant.
Genome position (GRCh38, 1-based): chr12:120,978,910, G duplicated; the last of 5 consecutive G bases (chr12:120,978,906-120,978,910); duplicating any one gives the same sequence. VCF-style (leftmost placement, unchanged base first): chr12-120978905-A-AG. GRCh37 (hg19) VCF-style: chr12-121416708-A-AG.
Other names: c.142dup, p.Glu48fs (NM_001306179.2, NM_001406915.1); short protein forms E48fs.
Identifiers: ClinVar variation 2735981 (VCV002735981.3), dbSNP rs1566092470, ClinGen allele CA2695217486.
Genomic context (GRCh38, chr12:120,978,905, plus strand): 5'-TGATCCAGGCACTGGGTGAGCCGGGGCCCTACCTCCTGGCTGGAGAAGGCCCCCTGGACA[A>AG]GGGGGAGTCCTGCGGCGGCGGTCGAGGGGAGCTGGCTGAGCTGCCCAATGGGCTGGGGGA-3'

ClinVar aggregate classification (germline): Pathogenic (1 of 4 stars; one submission).

Submission:

Labcorp Genetics (formerly Invitae), Labcorp
Classification: Pathogenic. Last evaluated: 2025-04-11. Review status: criteria provided, single submitter. Criteria: Invitae Variant Classification Sherloc (09022015). Collection method: clinical testing. Allele origin: germline.
Comment: This sequence change creates a premature translational stop signal (p.Glu48Glyfs*12) in the HNF1A gene. It is expected to result in an absent or disrupted protein product. Loss-of-function variants in HNF1A are known to be pathogenic (PMID: 15928245, 18003757). This variant is not present in population databases (gnomAD no frequency). This premature translational stop signal has been observed in individual(s) with maturity-onset diabetes of the young (MODY) (PMID: 27634015, 32041611). This variant is also known as c.137_138insG, p.K46Kfs*13. ClinVar contains an entry for this variant (Variation ID: 2735981). For these reasons, this variant has been classified as Pathogenic.

Literature cited by the submitters: PubMed 15928245; PubMed 18003757; PubMed 27634015; PubMed 32041611.